The following is an entry in ClinVar:

ClinVar aggregate classification (germline): Uncertain significance (1 of 4 stars; one submission).

Allele frequency attached by ClinVar (database versions not stated): gnomAD 0.00001; gnomAD exomes 0.00001; TOPMed 0.00001.
gnomAD v4.1: 16 of 1,551,476 alleles (0.001%); highest among the groups gnomAD compares: Non-Finnish European, 0.0014%; no homozygotes.

Submission:

Ambry Genetics
Classification: Uncertain significance. Last evaluated: 2025-08-01. Review status: criteria provided, single submitter. Criteria: Ambry Variant Classification Scheme 2023. Collection method: clinical testing. Allele origin: germline.
Comment: The c.2903A>G (p.D968G) alteration is located in exon (coding exon ) of the PARG gene. This alteration results from a A to G substitution at nucleotide position 2903, causing the aspartic acid (D) at amino acid position 968 to be replaced by a glycine (G). Based on insufficient or conflicting evidence, the clinical significance of this alteration remains unclear.

NM_003631.5(PARG):c.2903A>G (p.Asp968Gly)

Gene: PARG (poly(ADP-ribose) glycohydrolase; minus strand). Cytogenetic location: 10q11.23.
Variant type: single nucleotide variant.
Coding change: c.2903A>G on transcript NM_003631.5 (MANE Select); coding-DNA position 2903, A replaced by G.
Protein change: p.Asp968Gly; replaces aspartic acid 968 with glycine.
Molecular consequence: missense variant. On other transcripts: non-coding transcript variant (7).
Genome position (GRCh38, 1-based): chr10:49,819,368, T>C on the plus strand (A>G on the coding strand, the complement: PARG is on the minus strand). VCF-style: chr10-49819368-T-C. GRCh37 (hg19) VCF-style: chr10-51027414-T-C.
Other names: c.2657A>G, p.Asp886Gly (NM_001303486.3, NM_001324381.3); c.2579A>G, p.Asp860Gly (NM_001303487.3); c.1661A>G, p.Asp554Gly (NM_001303489.3); short protein forms D968G, D554G, D860G, D886G.
Identifiers: ClinVar variation 2510283 (VCV002510283.3), dbSNP rs1297116776, ClinGen allele CA376811024.